The following is an entry in ClinVar:

ClinVar aggregate classification (germline): Uncertain significance (1 of 4 stars; one submission).

Conditions:
Hereditary cancer-predisposing syndrome. Also called: Neoplastic Syndromes, Hereditary; Tumor predisposition; Hereditary Cancer Syndrome; Hereditary neoplastic syndrome. Identifiers: Orphanet 140162, MedGen C0027672, MeSH D009386, MONDO:0015356.

Submission:

Ambry Genetics
Classification: Uncertain significance for Hereditary cancer-predisposing syndrome. Last evaluated: 2026-02-28. Review status: criteria provided, single submitter. Criteria: Ambry Variant Classification Scheme 2023. Collection method: clinical testing. Allele origin: germline.
Comment: The p.P1484S variant (also known as c.4450C>T), located in coding exon 22 of the DICER1 gene, results from a C to T substitution at nucleotide position 4450. The proline at codon 1484 is replaced by serine, an amino acid with similar properties. This amino acid position is conserved. In addition, this alteration is predicted to be deleterious by in silico analysis. Based on the available evidence, the clinical significance of this variant remains unclear.

NM_177438.3(DICER1):c.4450C>T (p.Pro1484Ser)

Gene: DICER1 (dicer 1, ribonuclease III; minus strand). Cytogenetic location: 14q32.13.
Variant type: single nucleotide variant.
Coding change: c.4450C>T on transcript NM_177438.3 (MANE Select); coding-DNA position 4450, C replaced by T.
Protein change: p.Pro1484Ser; replaces proline 1484 with serine.
Molecular consequence: missense variant. On other transcripts: non-coding transcript variant (6).
Genome position (GRCh38, 1-based): chr14:95,096,470, G>A on the plus strand (C>T on the coding strand, the complement: DICER1 is on the minus strand). VCF-style: chr14-95096470-G-A. GRCh37 (hg19) VCF-style: chr14-95562807-G-A.
Other names: c.4450C>T, p.Pro1484Ser (NM_001195573.1, NM_001271282.3, NM_001291628.2 and 12 more transcripts); c.4168C>T, p.Pro1390Ser (NM_001395686.1); c.4045C>T, p.Pro1349Ser (NM_001395687.1, NM_001395688.1, NM_001395689.1 and 2 more transcripts); c.3883C>T, p.Pro1295Ser (NM_001395691.1); c.2767C>T, p.Pro923Ser (NM_001395697.1); short protein forms P1349S, P1295S, P1390S, P923S, P1484S.
Identifiers: ClinVar variation 4826959 (VCV004826959.1).